The following is an entry in ClinVar:

NM_006231.4(POLE):c.2468+4G>T

Gene: POLE (DNA polymerase epsilon, catalytic subunit; minus strand). Cytogenetic location: 12q24.33.
Variant type: single nucleotide variant.
Coding change: c.2468+4G>T on transcript NM_006231.4 (MANE Select); 4 bases into the intron after coding-DNA position 2468, G replaced by T.
Molecular consequence: intron variant.
Genome position (GRCh38, 1-based): chr12:132,665,298, C>A on the plus strand (G>T on the coding strand, the complement: POLE is on the minus strand). VCF-style: chr12-132665298-C-A. GRCh37 (hg19) VCF-style: chr12-133241884-C-A.
Identifiers: ClinVar variation 2702367 (VCV002702367.3), dbSNP rs1555226663, ClinGen allele CA2697551636.

ClinVar aggregate classification (germline): Uncertain significance (1 of 4 stars; one submission).

Submission:

Labcorp Genetics (formerly Invitae), Labcorp
Classification: Uncertain significance. Last evaluated: 2024-01-18. Review status: criteria provided, single submitter. Criteria: Invitae Variant Classification Sherloc (09022015). Collection method: clinical testing. Allele origin: germline.
Comment: This sequence change falls in intron 21 of the POLE gene. It does not directly change the encoded amino acid sequence of the POLE protein. It affects a nucleotide within the consensus splice site. This variant is not present in population databases (gnomAD no frequency). This variant has not been reported in the literature in individuals affected with POLE-related conditions. Variants that disrupt the consensus splice site are a relatively common cause of aberrant splicing (PMID: 17576681, 9536098). Algorithms developed to predict the effect of sequence changes on RNA splicing suggest that this variant is not likely to affect RNA splicing. In summary, the available evidence is currently insufficient to determine the role of this variant in disease. Therefore, it has been classified as a Variant of Uncertain Significance.

Literature cited by the submitters: PubMed 17576681; PubMed 9536098.